The following is an entry in ClinVar:

NM_004168.4(SDHA):c.386del (p.Gly129fs)

Gene: SDHA (succinate dehydrogenase complex flavoprotein subunit A; plus strand). Cytogenetic location: 5p15.33.
Variant type: Deletion.
Coding change: c.386del on transcript NM_004168.4 (MANE Select); coding-DNA position 386, one base deleted (G; older notation c.386delG).
Protein change: p.Gly129fs; shifts the reading frame from glycine 129.
Molecular consequence: frameshift variant. On other transcripts: intron variant (1).
Genome position (GRCh38, 1-based): chr5:225,492, G deleted; the last of 3 consecutive G bases (chr5:225,490-225,492); deleting any one gives the same sequence. VCF-style (leftmost placement, unchanged base first): chr5-225489-AG-A. GRCh37 (hg19) VCF-style: chr5-225604-AG-A.
Other names: c.386del, p.Gly129fs (NM_001330758.2); c.313-391del (NM_001294332.2); short protein forms G129fs.
Identifiers: ClinVar variation 3904696 (VCV003904696.2).

ClinVar aggregate classification (germline): Pathogenic. Review status: criteria provided, multiple submitters, no conflicts (2 of 4 stars). 2 submissions from 2 submitters: Pathogenic (2). Last evaluated 2025-04-14.

Conditions:
Mitochondrial complex II deficiency, nuclear type 1. Also called: SUCCINATE CoQ REDUCTASE DEFICIENCY. Identifiers: Orphanet 3208, MedGen C5700310, MONDO:0100294, OMIM 252011.
Pheochromocytoma/paraganglioma syndrome 5. Also called: Paragangliomas 5; SDHA-Related Hereditary Paraganglioma-Pheochromocytoma Syndrome. Identifiers: Orphanet 29072, MedGen C3279992, MONDO:0013602, OMIM 614165.

Submissions (2):

Labcorp Genetics (formerly Invitae), Labcorp
Classification: Pathogenic for Pheochromocytoma/paraganglioma syndrome 5; Mitochondrial complex II deficiency, nuclear type 1. Last evaluated: 2025-04-14. Review status: criteria provided, single submitter. Criteria: Invitae Variant Classification Sherloc (09022015). Collection method: clinical testing. Allele origin: germline.
Comment: This sequence change creates a premature translational stop signal (p.Gly129Alafs*14) in the SDHA gene. It is expected to result in an absent or disrupted protein product. Loss-of-function variants in SDHA are known to be pathogenic (PMID: 22974104, 24781757). This variant is not present in population databases (gnomAD no frequency). This variant has not been reported in the literature in individuals affected with SDHA-related conditions. For these reasons, this variant has been classified as Pathogenic.

Myriad Genetics, Inc.
Classification: Pathogenic for Pheochromocytoma/paraganglioma syndrome 5. Last evaluated: 2025-01-06. Review status: criteria provided, single submitter. Criteria: Myriad Autosomal Dominant, Autosomal Recessive and X-Linked Classification Criteria (2023). Collection method: clinical testing. Allele origin: unknown.
Comment: This variant is considered pathogenic. This variant creates a frameshift predicted to result in premature protein truncation.

Literature cited by the submitters: PubMed 22974104 (cited by Labcorp Genetics (formerly Invitae), Labcorp); PubMed 24781757 (cited by Labcorp Genetics (formerly Invitae), Labcorp).